The following is an entry in ClinVar:

NM_001164508.2(NEB):c.19746T>C (p.Ala6582=)

Gene: NEB (nebulin; minus strand). Cytogenetic location: 2q23.3.
Variant type: single nucleotide variant.
Coding change: c.19746T>C on transcript NM_001164508.2 (MANE Select); coding-DNA position 19746, T replaced by C.
Protein change: p.Ala6582=; no amino-acid change (alanine 6582 retained).
Molecular consequence: synonymous variant.
Genome position (GRCh38, 1-based): chr2:151,552,762, A>G on the plus strand (T>C on the coding strand, the complement: NEB is on the minus strand). VCF-style: chr2-151552762-A-G. GRCh37 (hg19) VCF-style: chr2-152409276-A-G.
Other names: c.19746T>C, p.Ala6582= (NM_001164507.2, NM_001271208.2); c.14643T>C, p.Ala4881= (NM_004543.5).
Identifiers: ClinVar variation 518085 (VCV000518085.19), dbSNP rs143456239, ClinGen allele CA1907540.
Genomic context (GRCh38, chr2:151,552,762, plus strand): 5'-CTGCACGTAGACTGGTGTATCTGTGACAAGCTTGTAGTCATTCCTTGTTTTCAACATGTG[A>G]GCTTTATACTTGATCTGCCGAGAGGAAGAAAACAAGCCCATGTTGGACCATTCCTTATGC-3'
Protein context (NP_001157980.2, residues 6572-6592): YDLRDDIKYK[Ala6582=]HMLKTRNDYK

ClinVar aggregate classification (germline): Conflicting classifications of pathogenicity. Review status: criteria provided, conflicting classifications (1 of 4 stars). 4 submissions from 4 submitters: Uncertain significance (1); Benign (1); Likely benign (2). Last evaluated 2026-01-31.

Conditions:
Nemaline myopathy 2 (NEM2). Also called: Nemaline myopathy 2, autosomal recessive. Identifiers: MedGen C1850569, MONDO:0009725, OMIM 256030.

Allele frequency attached by ClinVar (database versions not stated): gnomAD exomes 0.00012 and 0.00031; ExAC 0.00053; gnomAD 0.00130 and 0.00136; TOPMed 0.00156; ESP Exome Variant Server 0.00165; 1000 Genomes Project 0.00200; 1000 Genomes Project 30x 0.00219.
gnomAD v4.1: 375 of 1,612,280 alleles (0.023%); highest among the groups gnomAD compares: African/African-American, 0.45%; 2 homozygotes.

Submissions (4):

Labcorp Genetics (formerly Invitae), Labcorp
Classification: Benign for Nemaline myopathy 2. Last evaluated: 2026-01-31. Review status: criteria provided, single submitter. Criteria: Invitae Variant Classification Sherloc (09022015). Collection method: clinical testing. Allele origin: germline.

Athena Diagnostics
Classification: Likely benign. Last evaluated: 2018-12-31. Review status: criteria provided, single submitter. Criteria: Athena Diagnostics Criteria. Collection method: clinical testing. Allele origin: germline.

Illumina Laboratory Services, Illumina
Classification: Uncertain significance for Nemaline myopathy 2. Last evaluated: 2018-01-13. Review status: criteria provided, single submitter. Criteria: ICSL Variant Classification Criteria 13 December 2019. Collection method: clinical testing. Allele origin: germline.

GeneDx
Classification: Likely benign. Last evaluated: 2017-06-20. Review status: criteria provided, single submitter. Criteria: GeneDx Variant Classification (06012015). Collection method: clinical testing. Allele origin: germline. Affected: yes.
Comment: This variant is considered likely benign or benign based on one or more of the following criteria: it is a conservative change, it occurs at a poorly conserved position in the protein, it is predicted to be benign by multiple in silico algorithms, and/or has population frequency not consistent with disease.